The following is an entry in ClinVar:

ClinVar aggregate classification (germline): Likely pathogenic (1 of 4 stars; one submission).

Conditions:
Autosomal recessive nonsyndromic hearing loss 12. Also called: DEAFNESS, AUTOSOMAL RECESSIVE 12. Identifiers: Orphanet 90636, MedGen C1832394, MONDO:0011067, OMIM 601386.

Submission:

Institute of Rare Diseases, West China Hospital, Sichuan University
Classification: Likely pathogenic for Autosomal recessive nonsyndromic hearing loss 12. Last evaluated: 2025-01-09. Review status: criteria provided, single submitter. Criteria: ClinGen HL ACMG Specifications v1. Collection method: research. Allele origin: germline. Affected: yes.
Comment: PVS1;PM2_Supporting

NM_022124.6(CDH23):c.5239dup (p.Asp1747fs)

Gene: CDH23 (cadherin related 23; plus strand). Cytogenetic location: 10q22.1.
Variant type: Duplication.
Coding change: c.5239dup on transcript NM_022124.6 (MANE Select); coding-DNA position 5239, one base duplicated (G; older notation c.5239dupG).
Protein change: p.Asp1747fs; shifts the reading frame from aspartic acid 1747.
Molecular consequence: frameshift variant.
Genome position (GRCh38, 1-based): chr10:71,779,318, G duplicated; the last of 3 consecutive G bases (chr10:71,779,316-71,779,318); duplicating any one gives the same sequence. VCF-style (leftmost placement, unchanged base first): chr10-71779315-C-CG. GRCh37 (hg19) VCF-style: chr10-73539072-C-CG.
Other names: short protein forms D1747fs.
Identifiers: ClinVar variation 3601111 (VCV003601111.1).